The following is an entry in ClinVar:

NM_001277115.2(DNAH11):c.10286G>T (p.Arg3429Leu)

Gene: DNAH11 (dynein axonemal heavy chain 11; plus strand). Cytogenetic location: 7p15.3.
Variant type: single nucleotide variant.
Coding change: c.10286G>T on transcript NM_001277115.2 (MANE Select); coding-DNA position 10286, G replaced by T.
Protein change: p.Arg3429Leu; replaces arginine 3429 with leucine.
Molecular consequence: missense variant.
Genome position (GRCh38, 1-based): chr7:21,808,003, G>T. VCF-style: chr7-21808003-G-T. GRCh37 (hg19) VCF-style: chr7-21847621-G-T.
Other names: short protein forms R3429L.
Identifiers: ClinVar variation 3272603 (VCV003272603.4).

ClinVar aggregate classification (germline): Conflicting classifications of pathogenicity. Review status: criteria provided, conflicting classifications (1 of 4 stars). 3 submissions from 3 submitters: Pathogenic (1); Uncertain significance (2). Last evaluated 2025-04-15.

Conditions:
Primary ciliary dyskinesia. Also called: Ciliary dyskinesia. Identifiers: Orphanet 244, MedGen C0008780, MONDO:0016575, HP:0012265.

gnomAD v4.1: 5 of 1,584,932 alleles (0.00032%); highest among the groups gnomAD compares: South Asian, 0.0012%; no homozygotes.

Submissions (3):

GeneDx
Classification: Uncertain significance. Last evaluated: 2025-04-15. Review status: criteria provided, single submitter. Criteria: GeneDx Variant Classification Process June 2021. Collection method: clinical testing. Allele origin: germline. Affected: yes.
Comment: Not observed at significant frequency in large population cohorts (gnomAD); In silico analysis supports that this missense variant has a deleterious effect on protein structure/function; This variant is associated with the following publications: (PMID: 26139845)

Ambry Genetics
Classification: Uncertain significance for Primary ciliary dyskinesia. Last evaluated: 2024-03-22. Review status: criteria provided, single submitter. Criteria: Ambry Variant Classification Scheme 2023. Collection method: clinical testing. Allele origin: germline.
Comment: The p.R3429L variant (also known as c.10286G>T), located in coding exon 63 of the DNAH11 gene, results from a G to T substitution at nucleotide position 10286. The arginine at codon 3429 is replaced by leucine, an amino acid with dissimilar properties. This variant has been identified in the homozygous state in an individual diagnosed with primary ciliary dyskinesia in conjunction with a second homozygous DNAH11 variant (Marshall CR et al. G3 (Bethesda), 2015 Jul;5:1775-81). This amino acid position is well conserved in available vertebrate species. In addition, this alteration is predicted to be deleterious by in silico analysis. Based on the available evidence, the clinical significance of this alteration remains unclear.

Labcorp Genetics (formerly Invitae), Labcorp
Classification: Pathogenic for Primary ciliary dyskinesia. Last evaluated: 2024-02-29. Review status: criteria provided, single submitter. Criteria: Invitae Variant Classification Sherloc (09022015). Collection method: clinical testing. Allele origin: germline.
Comment: This sequence change replaces arginine, which is basic and polar, with leucine, which is neutral and non-polar, at codon 3429 of the DNAH11 protein (p.Arg3429Leu). This variant is not present in population databases (gnomAD no frequency). This missense change has been observed in individual(s) with primary ciliary dyskinesia (PMID: 26139845). Advanced modeling of protein sequence and biophysical properties (such as structural, functional, and spatial information, amino acid conservation, physicochemical variation, residue mobility, and thermodynamic stability) performed at Invitae indicates that this missense variant is expected to disrupt DNAH11 protein function with a positive predictive value of 80%. This variant disrupts the p.Arg3429 amino acid residue in DNAH11. Other variant(s) that disrupt this residue have been determined to be pathogenic (PMID: 26139845; Invitae). This suggests that this residue is clinically significant, and that variants that disrupt this residue are likely to be disease-causing. For these reasons, this variant has been classified as Pathogenic.

Literature cited by the submitters: PubMed 26139845 (cited by Ambry Genetics and Labcorp Genetics (formerly Invitae), Labcorp).